The following is an entry in ClinVar:

NM_152783.5(D2HGDH):c.990G>A (p.Pro330=)

Gene: D2HGDH (D-2-hydroxyglutarate dehydrogenase; plus strand). Cytogenetic location: 2q37.3.
Variant type: single nucleotide variant.
Coding change: c.990G>A on transcript NM_152783.5 (MANE Select); coding-DNA position 990, G replaced by A.
Protein change: p.Pro330=; no amino-acid change (proline 330 retained).
Molecular consequence: synonymous variant.
Genome position (GRCh38, 1-based): chr2:241,750,287, G>A. VCF-style: chr2-241750287-G-A. GRCh37 (hg19) VCF-style: chr2-242689702-G-A.
Other names: c.588G>A, p.Pro196= (NM_001287249.2); c.429G>A, p.Pro143= (NM_001352824.2).
Identifiers: ClinVar variation 712433 (VCV000712433.15), dbSNP rs142073267, ClinGen allele CA2221851.

ClinVar aggregate classification (germline): Benign/Likely benign. Review status: criteria provided, multiple submitters, no conflicts (2 of 4 stars). 3 submissions from 3 submitters: Benign (2); Likely benign (1). Last evaluated 2026-01-05.

Conditions:
D-2-hydroxyglutaric aciduria 1 (D2HGA1). Identifiers: Orphanet 79315, MedGen C3152055, MONDO:0024554, OMIM 600721.

Allele frequency attached by ClinVar (database versions not stated): gnomAD exomes 0.00044 and 0.00114; ExAC 0.00141; gnomAD 0.00393 and 0.00425; 1000 Genomes Project 30x 0.00437; 1000 Genomes Project 0.00439; TOPMed 0.00446; ESP Exome Variant Server 0.00508.
gnomAD v4.1: 1,276 of 1,612,792 alleles (0.079%); highest among the groups gnomAD compares: African/African-American, 1.4%; 11 homozygotes.

Submissions (3):

Labcorp Genetics (formerly Invitae), Labcorp
Classification: Benign for D-2-hydroxyglutaric aciduria 1. Last evaluated: 2026-01-05. Review status: criteria provided, single submitter. Criteria: Invitae Variant Classification Sherloc (09022015). Collection method: clinical testing. Allele origin: germline.

Blueprint Genetics
Classification: Likely benign. Last evaluated: 2024-11-25. Review status: criteria provided, single submitter. Criteria: ACMG Guidelines, 2015. Collection method: clinical testing. Allele origin: germline.

Illumina Laboratory Services, Illumina
Classification: Benign for D-2-hydroxyglutaric aciduria 1. Last evaluated: 2018-01-13. Review status: criteria provided, single submitter. Criteria: ICSL Variant Classification Criteria 13 December 2019. Collection method: clinical testing. Allele origin: germline.
Comment: This variant was observed in the ICSL laboratory as part of a predisposition screen in an ostensibly healthy population. It had not been previously curated by ICSL or reported in the Human Gene Mutation Database (HGMD: prior to June 1st, 2018), and was therefore a candidate for classification through an automated scoring system. Utilizing variant allele frequency, disease prevalence and penetrance estimates, and inheritance mode, an automated score was calculated to assess if this variant is too frequent to cause the disease. Based on the score and internal cut-off values, a variant classified as benign is not then subjected to further curation. The score for this variant resulted in a classification of benign for this disease.